The following is an entry in ClinVar:

NM_000393.5(COL5A2):c.1402-3C>T

Gene: COL5A2 (collagen type V alpha 2 chain; minus strand). Cytogenetic location: 2q32.2.
Variant type: single nucleotide variant.
Coding change: c.1402-3C>T on transcript NM_000393.5 (MANE Select); 3 bases into the intron before coding-DNA position 1402, C replaced by T.
Molecular consequence: intron variant.
Genome position (GRCh38, 1-based): chr2:189,066,785, G>A on the plus strand (C>T on the coding strand, the complement: COL5A2 is on the minus strand). VCF-style: chr2-189066785-G-A. GRCh37 (hg19) VCF-style: chr2-189931511-G-A.
Identifiers: ClinVar variation 1931291 (VCV001931291.5), dbSNP rs746439529, ClinGen allele CA2022714.

ClinVar aggregate classification (germline): Uncertain significance (1 of 4 stars; one submission).

Conditions:
Ehlers-Danlos syndrome, classic type, 1 (EDSCL1). Also called: Ehlers-Danlos syndrome, type 1; Ehlers-Danlos Syndrome, Classic Type, COL5A1-Related; EDS I; EHLERS-DANLOS SYNDROME, GRAVIS TYPE; EHLERS-DANLOS SYNDROME, SEVERE CLASSIC TYPE. Identifiers: MedGen C0268335, MONDO:0019567, OMIM 130000.

Allele frequency attached by ClinVar (database versions not stated): gnomAD exomes below 0.00001; ExAC 0.00001; gnomAD 0.00001.
gnomAD v4.1: 8 of 1,610,864 alleles (0.0005%); highest among the groups gnomAD compares: South Asian, 0.0066%; no homozygotes.

Submission:

Labcorp Genetics (formerly Invitae), Labcorp
Classification: Uncertain significance for Ehlers-Danlos syndrome, classic type, 1. Last evaluated: 2022-01-05. Review status: criteria provided, single submitter. Criteria: Invitae Variant Classification Sherloc (09022015). Collection method: clinical testing. Allele origin: germline.
Comment: This variant is present in population databases (rs746439529, gnomAD 0.006%). This sequence change falls in intron 21 of the COL5A2 gene. It does not directly change the encoded amino acid sequence of the COL5A2 protein. It affects a nucleotide within the consensus splice site. This variant has not been reported in the literature in individuals affected with COL5A2-related conditions. Variants that disrupt the consensus splice site are a relatively common cause of aberrant splicing (PMID: 17576681, 9536098). Algorithms developed to predict the effect of sequence changes on RNA splicing suggest that this variant is not likely to affect RNA splicing. In summary, the available evidence is currently insufficient to determine the role of this variant in disease. Therefore, it has been classified as a Variant of Uncertain Significance.

Literature cited by the submitters: PubMed 17576681; PubMed 9536098.